The following is an entry in ClinVar:

NC_000015.10:g.(?_55430650)_(55432622_?)del

Genes: DNAAF4 (dynein axonemal assembly factor 4; minus strand), DNAAF4-CCPG1 (DNAAF4-CCPG1 readthrough (NMD candidate); minus strand). Cytogenetic location: 15q21.3.
Variant type: Deletion.
Identifiers: ClinVar variation 525588 (VCV000525588.1).

ClinVar aggregate classification (germline): Pathogenic (1 of 4 stars; one submission).

Conditions:
Primary ciliary dyskinesia. Also called: Ciliary dyskinesia. Identifiers: Orphanet 244, MedGen C0008780, MONDO:0016575, HP:0012265.

Submission:

Labcorp Genetics (formerly Invitae), Labcorp
Classification: Pathogenic for Ciliary dyskinesia. Last evaluated: 2018-04-24. Review status: criteria provided, single submitter. Criteria: Invitae Variant Classification Sherloc (09022015). Collection method: clinical testing. Allele origin: germline.
Comment: This variant is a gross deletion of the genomic region encompassing exons 9-10 of the DYX1C1 gene. The 5' boundary is likely confined to intron 8. The 3' end of this event is unknown as it extends through the termination codon beyond the assayed region for this gene and may encompass additional genes. While this deletion is not anticipated to result in nonsense mediated decay, it is expected to create a truncated protein product or disrupt mRNA translation. Deletion of exons 9-10 has not been reported in the literature in individuals with a DYX1C1-related disease. However, this variant has been observed in the homozygous state, or with a pathogenic variant (deletion of exon 7) in DYX1C1, in individuals with primary ciliary dyskinesia (Invitae). These observations suggest that deletion of exons 9-10 contributes to the cause of disease. For these reasons, this variant has been classified as Pathogenic.